The following is an entry in ClinVar:

NM_002109.6(HARS1):c.137G>A (p.Gly46Asp)

Gene: HARS1 (histidyl-tRNA synthetase 1; minus strand). Cytogenetic location: 5q31.3.
Variant type: single nucleotide variant.
Coding change: c.137G>A on transcript NM_002109.6 (MANE Select); coding-DNA position 137, G replaced by A.
Protein change: p.Gly46Asp; replaces glycine 46 with aspartic acid.
Molecular consequence: missense variant.
Genome position (GRCh38, 1-based): chr5:140,690,898, C>T on the plus strand (G>A on the coding strand, the complement: HARS1 is on the minus strand). VCF-style: chr5-140690898-C-T. GRCh37 (hg19) VCF-style: chr5-140070483-C-T.
Other names: c.137G>A, p.Gly46Asp (NM_001258040.3, NM_001258041.3, NM_001258042.3 and 2 more transcripts); c.50G>A, p.Gly17Asp (NM_001289094.2); short protein forms G46D, G17D.
Identifiers: ClinVar variation 2906239 (VCV002906239.3), dbSNP rs967869621, ClinGen allele CA128339823.

ClinVar aggregate classification (germline): Uncertain significance (1 of 4 stars; one submission).

Conditions:
Usher syndrome type 3B. Also called: USHER SYNDROME, TYPE IIIB. Identifiers: MedGen C3281066, MONDO:0013788, OMIM 614504.

Allele frequency attached by ClinVar (database versions not stated): gnomAD 0.00002; TOPMed 0.00002.

Submission:

Labcorp Genetics (formerly Invitae), Labcorp
Classification: Uncertain significance for Usher syndrome type 3B. Last evaluated: 2024-12-16. Review status: criteria provided, single submitter. Criteria: Invitae Variant Classification Sherloc (09022015). Collection method: clinical testing. Allele origin: germline.
Comment: This sequence change replaces glycine, which is neutral and non-polar, with aspartic acid, which is acidic and polar, at codon 46 of the HARS protein (p.Gly46Asp). This variant is not present in population databases (gnomAD no frequency). This variant has not been reported in the literature in individuals affected with HARS-related conditions. ClinVar contains an entry for this variant (Variation ID: 2906239). An algorithm developed to predict the effect of missense changes on protein structure and function (PolyPhen-2) suggests that this variant is likely to be tolerated. In summary, the available evidence is currently insufficient to determine the role of this variant in disease. Therefore, it has been classified as a Variant of Uncertain Significance.